The following is an entry in ClinVar:

NM_001363711.2(DUOX2):c.1131+5G>T

Gene: DUOX2 (dual oxidase 2; minus strand). Cytogenetic location: 15q21.1.
Variant type: single nucleotide variant.
Coding change: c.1131+5G>T on transcript NM_001363711.2 (MANE Select); 5 bases into the intron after coding-DNA position 1131, G replaced by T.
Molecular consequence: intron variant.
Genome position (GRCh38, 1-based): chr15:45,109,885, C>A on the plus strand (G>T on the coding strand, the complement: DUOX2 is on the minus strand). VCF-style: chr15-45109885-C-A. GRCh37 (hg19) VCF-style: chr15-45402083-C-A.
Other names: c.1131+5G>T (NM_014080.5).
Identifiers: ClinVar variation 2193176 (VCV002193176.3), dbSNP rs753544215, ClinGen allele CA7538744.

ClinVar aggregate classification (germline): Uncertain significance (1 of 4 stars; one submission).

Allele frequency attached by ClinVar (database versions not stated): gnomAD 0.00001; TOPMed 0.00001; ExAC 0.00002; gnomAD exomes 0.00005.
gnomAD v4.1: 79 of 1,614,012 alleles (0.0049%); highest among the groups gnomAD compares: Non-Finnish European, 0.0064%; no homozygotes.

Submission:

Labcorp Genetics (formerly Invitae), Labcorp
Classification: Uncertain significance. Last evaluated: 2025-07-16. Review status: criteria provided, single submitter. Criteria: Invitae Variant Classification Sherloc (09022015). Collection method: clinical testing. Allele origin: germline.
Comment: This sequence change falls in intron 10 of the DUOX2 gene. It does not directly change the encoded amino acid sequence of the DUOX2 protein. It affects a nucleotide within the consensus splice site. This variant is present in population databases (rs753544215, gnomAD 0.006%). This variant has not been reported in the literature in individuals affected with DUOX2-related conditions. ClinVar contains an entry for this variant (Variation ID: 2193176). Variants that disrupt the consensus splice site are a relatively common cause of aberrant splicing (PMID: 17576681, 9536098). Algorithms developed to predict the effect of sequence changes on RNA splicing suggest that this variant may disrupt the consensus splice site. In summary, the available evidence is currently insufficient to determine the role of this variant in disease. Therefore, it has been classified as a Variant of Uncertain Significance.

Literature cited by the submitters: PubMed 17576681; PubMed 9536098.